The following is an entry in ClinVar:

NM_004204.5(PIGQ):c.1429G>A (p.Val477Met)

Gene: PIGQ (phosphatidylinositol glycan anchor biosynthesis class Q; plus strand). Cytogenetic location: 16p13.3.
Variant type: single nucleotide variant.
Coding change: c.1429G>A on transcript NM_004204.5 (MANE Select); coding-DNA position 1429, G replaced by A.
Protein change: p.Val477Met; replaces valine 477 with methionine.
Molecular consequence: missense variant.
Genome position (GRCh38, 1-based): chr16:580,870, G>A. VCF-style: chr16-580870-G-A. GRCh37 (hg19) VCF-style: chr16-630870-G-A.
Other names: c.1429G>A, p.Val477Met (NM_148920.4); short protein forms V477M.
Identifiers: ClinVar variation 2428471 (VCV002428471.6), dbSNP rs2035798332, ClinGen allele CA394059036.
Genomic context (GRCh38, chr16:580,870, plus strand): 5'-CCCCAGGCGCGTCTGGCCGGGCCGGTCCTAAATGCTCCTCTGCCACAGCTCCGGCTCCTG[G>A]TGGTCGCCGTGCAGGGCCTGATCCATCTGCTCGTGGACCTCATCAACTCCCTGCCGCTGT-3'
Protein context (NP_004195.2, residues 467-487): YLVFTLLRLL[Val477Met]VAVQGLIHLL

ClinVar aggregate classification (germline): Uncertain significance (1 of 4 stars; one submission).

Conditions:
Epilepsy. Also called: Seizure disorder. Identifiers: MedGen C0014544, MeSH D004827, MONDO:0005027.

Allele frequency attached by ClinVar (database versions not stated): gnomAD exomes below 0.00001.

Submission:

Labcorp Genetics (formerly Invitae), Labcorp
Classification: Uncertain significance for Epilepsy. Last evaluated: 2022-07-13. Review status: criteria provided, single submitter. Criteria: Invitae Variant Classification Sherloc (09022015). Collection method: clinical testing. Allele origin: germline.
Comment: This variant has not been reported in the literature in individuals affected with PIGQ-related conditions. In summary, the available evidence is currently insufficient to determine the role of this variant in disease. Therefore, it has been classified as a Variant of Uncertain Significance. Algorithms developed to predict the effect of missense changes on protein structure and function are either unavailable or do not agree on the potential impact of this missense change (SIFT: "Deleterious"; PolyPhen-2: "Possibly Damaging"; Align-GVGD: "Class C0"). This variant is not present in population databases (gnomAD no frequency). This sequence change replaces valine, which is neutral and non-polar, with methionine, which is neutral and non-polar, at codon 477 of the PIGQ protein (p.Val477Met).